The following is an entry in ClinVar:

NM_014797.3(ZBTB24):c.993del (p.Phe331fs)

Gene: ZBTB24 (zinc finger and BTB domain containing 24; minus strand). Cytogenetic location: 6q21.
Variant type: Deletion.
Coding change: c.993del on transcript NM_014797.3 (MANE Select); coding-DNA position 993, one base deleted (T; older notation c.993delT).
Protein change: p.Phe331fs; shifts the reading frame from phenylalanine 331.
Molecular consequence: frameshift variant.
Genome position (GRCh38, 1-based): chr6:109,476,890, A deleted on the plus strand (T on the coding strand, the reverse complement: ZBTB24 is on the minus strand); the first of 3 consecutive A bases (chr6:109,476,890-109,476,892); deleting any one gives the same sequence. VCF-style (leftmost placement, unchanged base first): chr6-109476889-CA-C. GRCh37 (hg19) VCF-style: chr6-109798092-CA-C.
Other names: short protein forms F331fs.
Identifiers: ClinVar variation 2793751 (VCV002793751.3), dbSNP rs2482872102, ClinGen allele CA2578711475.

ClinVar aggregate classification (germline): Pathogenic (1 of 4 stars; one submission).

Conditions:
Immunodeficiency-centromeric instability-facial anomalies syndrome 2 (ICF2). Identifiers: Orphanet 2268, MedGen C3279748, MONDO:0013553, OMIM 614069.

Submission:

Labcorp Genetics (formerly Invitae), Labcorp
Classification: Pathogenic for Immunodeficiency-centromeric instability-facial anomalies syndrome 2. Last evaluated: 2024-01-10. Review status: criteria provided, single submitter. Criteria: Invitae Variant Classification Sherloc (09022015). Collection method: clinical testing. Allele origin: germline.
Comment: This sequence change creates a premature translational stop signal (p.Phe331Leufs*29) in the ZBTB24 gene. It is expected to result in an absent or disrupted protein product. Loss-of-function variants in ZBTB24 are known to be pathogenic (PMID: 21596365). This variant is not present in population databases (gnomAD no frequency). This variant has not been reported in the literature in individuals affected with ZBTB24-related conditions. For these reasons, this variant has been classified as Pathogenic.

Literature cited by the submitters: PubMed 21596365.